The following is an entry in ClinVar:

ClinVar aggregate classification (germline): Uncertain significance (1 of 4 stars; one submission).

Submission:

GeneDx
Classification: Uncertain significance. Last evaluated: 2022-12-02. Review status: criteria provided, single submitter. Criteria: GeneDx Variant Classification Process June 2021. Collection method: clinical testing. Allele origin: germline. Affected: yes.
Comment: Frameshift variant predicted to result in protein truncation or nonsense mediated decay in a gene for which loss-of-function is not a known mechanism of disease; Not observed at significant frequency in large population cohorts (gnomAD); Has not been previously published as pathogenic or benign to our knowledge

NM_004408.4(DNM1):c.2154_2166delinsCAT (p.Ala719fs)

Gene: DNM1 (dynamin 1; plus strand). Cytogenetic location: 9q34.11.
Variant type: Indel.
Coding change: c.2154_2166delinsCAT on transcript NM_004408.4 (MANE Select); coding-DNA positions 2154 to 2166, GGCGGAGCAGGCA replaced by CAT.
Protein change: p.Ala719fs; shifts the reading frame from alanine 719.
Molecular consequence: frameshift variant.
Genome position (GRCh38, 1-based): chr9:128,250,192-128,250,204, GGCGGAGCAGGCA replaced by CAT. VCF-style: chr9-128250192-GGCGGAGCAGGCA-CAT. GRCh37 (hg19) VCF-style: chr9-131012471-GGCGGAGCAGGCA-CAT.
Other names: c.2154_2166delinsCAT, p.Ala719fs (NM_001005336.3, NM_001288737.2, NM_001288738.2 and 2 more transcripts); short protein forms A719fs.
Identifiers: ClinVar variation 2504212 (VCV002504212.1), dbSNP rs2539122837, ClinGen allele CA2580616321.